The following is an entry in ClinVar:

NM_001379291.1(BRD4):c.433G>A (p.Asp145Asn)

Gene: BRD4 (bromodomain containing 4; minus strand). Cytogenetic location: 19p13.12.
Variant type: single nucleotide variant.
Coding change: c.433G>A on transcript NM_001379291.1 (MANE Select); coding-DNA position 433, G replaced by A.
Protein change: p.Asp145Asn; replaces aspartic acid 145 with asparagine.
Molecular consequence: missense variant.
Genome position (GRCh38, 1-based): chr19:15,267,542, C>T on the plus strand (G>A on the coding strand, the complement: BRD4 is on the minus strand). VCF-style: chr19-15267542-C-T. GRCh37 (hg19) VCF-style: chr19-15378353-C-T.
Other names: c.433G>A, p.Asp145Asn (NM_001330384.2, NM_001379292.1, NM_014299.3 and 1 more transcripts); short protein forms D145N.
Identifiers: ClinVar variation 5017973 (VCV005017973.1).
Genomic context (GRCh38, chr19:15,267,542, plus strand): 5'-GTAGCTCATTTATTTTTTGCAAGAAGAGCTTTTCCAGAGCTTCTGCCATTAAGACTATGT[C>T]ATCTCCAGGCTGGATAAGGAGACACAGGGGTAGAGTCAGAGGGCCCTCCCCTCCCCACCT-3'
Protein context (NP_001366220.1, residues 135-155): NCYIYNKPGD[Asp145Asn]IVLMAEALEK

ClinVar aggregate classification (germline): Uncertain significance (1 of 4 stars; one submission).

Submission:

GeneDx
Classification: Uncertain significance. Last evaluated: 2026-03-30. Review status: criteria provided, single submitter. Criteria: GeneDx Variant Classification Process June 2021. Collection method: clinical testing. Allele origin: germline.
Comment: Not observed at significant frequency in large population cohorts (gnomAD); In silico analysis supports that this missense variant has a deleterious effect on protein structure/function; Has not been previously published as pathogenic or benign to our knowledge